The following is an entry in ClinVar:

ClinVar aggregate classification (germline): Uncertain significance (1 of 4 stars; one submission).

Submission:

Labcorp Genetics (formerly Invitae), Labcorp
Classification: Uncertain significance. Last evaluated: 2025-01-27. Review status: criteria provided, single submitter. Criteria: Invitae Variant Classification Sherloc (09022015). Collection method: clinical testing. Allele origin: germline.
Comment: This sequence change replaces serine, which is neutral and polar, with arginine, which is basic and polar, at codon 164 of the DZIP1L protein (p.Ser164Arg). This variant is not present in population databases (gnomAD no frequency). This variant has not been reported in the literature in individuals affected with DZIP1L-related conditions. An algorithm developed to predict the effect of missense changes on protein structure and function (PolyPhen-2) suggests that this variant¬†is likely to be tolerated. Algorithms developed to predict the effect of sequence changes on RNA splicing suggest that this variant may disrupt the consensus splice site. In summary, the available evidence is currently insufficient to determine the role of this variant in disease. Therefore, it has been classified as a Variant of Uncertain Significance.

NM_173543.3(DZIP1L):c.492C>G (p.Ser164Arg)

Gene: DZIP1L (DAZ interacting zinc finger protein 1 like; minus strand). Cytogenetic location: 3q22.3.
Variant type: single nucleotide variant.
Coding change: c.492C>G on transcript NM_173543.3 (MANE Select); coding-DNA position 492, C replaced by G.
Protein change: p.Ser164Arg; replaces serine 164 with arginine.
Molecular consequence: missense variant.
Genome position (GRCh38, 1-based): chr3:138,103,480, G>C on the plus strand (C>G on the coding strand, the complement: DZIP1L is on the minus strand). VCF-style: chr3-138103480-G-C. GRCh37 (hg19) VCF-style: chr3-137822322-G-C.
Other names: c.492C>G, p.Ser164Arg (NM_001170538.1); short protein forms S164R.
Identifiers: ClinVar variation 3698215 (VCV003698215.1).